The following is an entry in ClinVar:

ClinVar aggregate classification (germline): Conflicting classifications of pathogenicity. Review status: criteria provided, conflicting classifications (1 of 4 stars). 2 submissions from 2 submitters: Uncertain significance (1); Likely benign (1). Last evaluated 2024-10-28.

Conditions:
Primary familial hypertrophic cardiomyopathy (HCM). Identifiers: Orphanet 99739, MedGen C0949658, MeSH D024741, MONDO:0024573. Inheritance: Various modes of inheritance.
Dilated cardiomyopathy 1AA (CMD1AA). Also called: Cardiomyopathy, dilated, 1AA, with or without LVNC; CARDIOMYOPATHY, DILATED, 1AA, WITH OR WITHOUT LEFT VENTRICULAR NONCOMPACTION; CARDIOMYOPATHY, FAMILIAL HYPERTROPHIC, 23, WITH OR WITHOUT LEFT VENTRICULAR NONCOMPACTION. Identifiers: Orphanet 154, MedGen C2677338, MONDO:0012808, OMIM 612158.

Submissions (2):

Labcorp Genetics (formerly Invitae), Labcorp
Classification: Uncertain significance for Primary familial hypertrophic cardiomyopathy; Dilated cardiomyopathy 1AA. Last evaluated: 2024-10-28. Review status: criteria provided, single submitter. Criteria: Invitae Variant Classification Sherloc (09022015). Collection method: clinical testing. Allele origin: germline.
Comment: This sequence change falls in intron 15 of the ACTN2 gene. It does not directly change the encoded amino acid sequence of the ACTN2 protein. It affects a nucleotide within the consensus splice site. This variant is not present in population databases (gnomAD no frequency). This variant has not been reported in the literature in individuals affected with ACTN2-related conditions. Variants that disrupt the consensus splice site are a relatively common cause of aberrant splicing (PMID: 17576681, 9536098). Algorithms developed to predict the effect of sequence changes on RNA splicing suggest that this variant is not likely to affect RNA splicing. In summary, the available evidence is currently insufficient to determine the role of this variant in disease. Therefore, it has been classified as a Variant of Uncertain Significance.

Blueprint Genetics
Classification: Likely benign. Last evaluated: 2021-03-17. Review status: criteria provided, single submitter. Criteria: ACMG Guidelines, 2015. Collection method: clinical testing. Allele origin: germline.

Literature cited by the submitters: PubMed 17576681 (cited by Labcorp Genetics (formerly Invitae), Labcorp); PubMed 9536098 (cited by Labcorp Genetics (formerly Invitae), Labcorp).

NM_001103.4(ACTN2):c.1840-3C>T

Gene: ACTN2 (actinin alpha 2; plus strand). Cytogenetic location: 1q43.
Variant type: single nucleotide variant.
Coding change: c.1840-3C>T on transcript NM_001103.4 (MANE Select); 3 bases into the intron before coding-DNA position 1840, C replaced by T.
Molecular consequence: intron variant.
Genome position (GRCh38, 1-based): chr1:236,753,944, C>T. VCF-style: chr1-236753944-C-T. GRCh37 (hg19) VCF-style: chr1-236917244-C-T.
Other names: c.1840-3C>T (NM_001278343.2).
Identifiers: ClinVar variation 3751482 (VCV003751482.3).